The following is an entry in ClinVar:

ClinVar aggregate classification (germline): Likely benign (0 of 4 stars; one submission).

Conditions:
PPP2R5C-related disorder. Also called: PPP2R5C-related condition.

Submission:

PreventionGenetics, part of Exact Sciences
Classification: Likely benign for PPP2R5C-related condition. Last evaluated: 2022-09-22. Review status: no assertion criteria provided. Collection method: clinical testing. Allele origin: germline.
Comment: This variant is classified as likely benign based on ACMG/AMP sequence variant interpretation guidelines (Richards et al. 2015 PMID: 25741868, with internal and published modifications).

NM_001352914.2(PPP2R5C):c.42+3_42+35del

Genes: PPP2R5C (protein phosphatase 2 regulatory subunit B'gamma; plus strand), LOC130056479 (ATAC-STARR-seq lymphoblastoid silent region 6097; plus strand). Cytogenetic location: 14q32.31.
Variant type: Deletion.
Coding change: c.42+3_42+35del on transcript NM_001352914.2; bases 3 to 35 of the intron after coding-DNA position 42, 33 bases deleted.
Molecular consequence: splice donor variant.
Genome position (GRCh38, 1-based): chr14:101,760,729-101,760,761, 33 bases deleted; deleting any 33 consecutive bases within chr14:101,760,723-101,760,761 gives the same sequence; the c. name uses the placement nearest the transcript's 3' end. GRCh37 (hg19): chr14:102,227,066-102,227,098.
Identifiers: ClinVar variation 3052401 (VCV003052401.2), dbSNP rs1309660526, ClinGen allele CA616531346.